The following is an entry in ClinVar:

ClinVar aggregate classification (germline): Uncertain significance (1 of 4 stars; one submission).

Conditions:
Macrocephaly-developmental delay syndrome (MRT41). Also called: INTELLECTUAL DEVELOPMENTAL DISORDER, AUTOSOMAL RECESSIVE 41. Identifiers: Orphanet 397612, MedGen C3810225, MONDO:0014289, OMIM 615637.

Allele frequency attached by ClinVar (database versions not stated): gnomAD exomes below 0.00001.
gnomAD v4.1: 2 of 1,610,494 alleles (0.00012%); highest among the groups gnomAD compares: Non-Finnish European, 0.00017%; no homozygotes.

Submission:

Labcorp Genetics (formerly Invitae), Labcorp
Classification: Uncertain significance for Macrocephaly-developmental delay syndrome. Last evaluated: 2025-07-21. Review status: criteria provided, single submitter. Criteria: Invitae Variant Classification Sherloc (09022015). Collection method: clinical testing. Allele origin: germline.
Comment: This sequence change replaces glycine, which is neutral and non-polar, with serine, which is neutral and polar, at codon 34 of the KPTN protein (p.Gly34Ser). This variant is not present in population databases (gnomAD no frequency). This variant has not been reported in the literature in individuals affected with KPTN-related conditions. ClinVar contains an entry for this variant (Variation ID: 1464918). An algorithm developed to predict the effect of missense changes on protein structure and function (PolyPhen-2) suggests that this variant is likely to be disruptive. In summary, the available evidence is currently insufficient to determine the role of this variant in disease. Therefore, it has been classified as a Variant of Uncertain Significance.

NM_007059.4(KPTN):c.100G>A (p.Gly34Ser)

Gene: KPTN (kaptin, actin binding protein; minus strand). Cytogenetic location: 19q13.32.
Variant type: single nucleotide variant.
Coding change: c.100G>A on transcript NM_007059.4 (MANE Select); coding-DNA position 100, G replaced by A.
Protein change: p.Gly34Ser; replaces glycine 34 with serine.
Molecular consequence: missense variant. On other transcripts: non-coding transcript variant (1).
Genome position (GRCh38, 1-based): chr19:47,484,061, C>T on the plus strand (G>A on the coding strand, the complement: KPTN is on the minus strand). VCF-style: chr19-47484061-C-T. GRCh37 (hg19) VCF-style: chr19-47987318-C-T.
Other names: c.100G>A, p.Gly34Ser (NM_001291296.2); short protein forms G34S.
Identifiers: ClinVar variation 1464918 (VCV001464918.8), dbSNP rs2122704806, ClinGen allele CA406606976.